The following is an entry in ClinVar:

NM_198503.5(KCNT2):c.3316C>T (p.Pro1106Ser)

Gene: KCNT2 (potassium sodium-activated channel subfamily T member 2; minus strand). Cytogenetic location: 1q31.3.
Variant type: single nucleotide variant.
Coding change: c.3316C>T on transcript NM_198503.5 (MANE Select); coding-DNA position 3316, C replaced by T.
Protein change: p.Pro1106Ser; replaces proline 1106 with serine.
Molecular consequence: missense variant. On other transcripts: non-coding transcript variant (2).
Genome position (GRCh38, 1-based): chr1:196,228,316, G>A on the plus strand (C>T on the coding strand, the complement: KCNT2 is on the minus strand). VCF-style: chr1-196228316-G-A. GRCh37 (hg19) VCF-style: chr1-196197446-G-A.
Other names: c.3244C>T, p.Pro1082Ser (NM_001287819.3); c.3115C>T, p.Pro1039Ser (NM_001287820.3); short protein forms P1082S, P1039S, P1106S.
Identifiers: ClinVar variation 2229520 (VCV002229520.2), dbSNP rs1488088605, ClinGen allele CA343973618.
Genomic context (GRCh38, chr1:196,228,316, plus strand): 5'-CAGTGACATTGCAGATGCTGTTTCTTCGACTGGGCTCACTGTTTGGAAGGTAGGCCAGTG[G>A]ATCTGGTCGAATTAAGTATCTAATAAAAGAAAACAAAATAAATAACTTTGCAATAGTAAA-3'
Protein context (NP_940905.2, residues 1096-1116): NDVVYLIRPD[Pro1106Ser]LAYLPNSEPS

ClinVar aggregate classification (germline): Uncertain significance (1 of 4 stars; one submission).

Conditions:
Inborn genetic diseases. Identifiers: MedGen C0950123, MeSH D030342.

Allele frequency attached by ClinVar (database versions not stated): gnomAD exomes 0.00001; TOPMed 0.00003.
gnomAD v4.1: 9 of 1,602,726 alleles (0.00056%); highest among the groups gnomAD compares: Admixed American, 0.015%; no homozygotes.

Submission:

Ambry Genetics
Classification: Uncertain significance for Inborn genetic diseases. Last evaluated: 2021-03-16. Review status: criteria provided, single submitter. Criteria: Ambry Variant Classification Scheme 2023. Collection method: clinical testing. Allele origin: germline.
Comment: The c.3316C>T (p.P1106S) alteration is located in exon 28 (coding exon 28) of the KCNT2 gene. This alteration results from a C to T substitution at nucleotide position 3316, causing the proline (P) at amino acid position 1106 to be replaced by a serine (S). The p.P1106S alteration is predicted to be tolerated by in silico analysis. Based on insufficient or conflicting evidence, the clinical significance of this alteration remains unclear.